The following is an entry in ClinVar:

ClinVar aggregate classification (germline): Uncertain significance (1 of 4 stars; one submission).

Submission:

GeneDx
Classification: Uncertain significance. Last evaluated: 2024-12-07. Review status: criteria provided, single submitter. Criteria: GeneDx Variant Classification Process June 2021. Collection method: clinical testing. Allele origin: germline. Affected: yes.
Comment: Not observed at significant frequency in large population cohorts (gnomAD); Canonical splice site variant in a gene or region of a gene for which loss of function is not a well-established mechanism of disease; Has not been previously published as pathogenic or benign to our knowledge

NM_012470.4(TNPO3):c.2599-2A>G

Gene: TNPO3 (transportin 3; minus strand). Cytogenetic location: 7q32.1.
Variant type: single nucleotide variant.
Coding change: c.2599-2A>G on transcript NM_012470.4 (MANE Select); the canonical splice acceptor site of the intron before coding-DNA position 2599, A replaced by G.
Molecular consequence: splice acceptor variant.
Genome position (GRCh38, 1-based): chr7:128,967,394, T>C on the plus strand (A>G on the coding strand, the complement: TNPO3 is on the minus strand). VCF-style: chr7-128967394-T-C. GRCh37 (hg19) VCF-style: chr7-128607448-T-C.
Other names: c.2455-2A>G (NM_001382221.1); c.2452-2A>G (NM_001382222.1); c.2491-2A>G (NM_001382219.1); c.2407-2A>G (NM_001382223.1, NM_001191028.3); c.2458-2A>G (NM_001382220.1); c.2599-2A>G (NM_001382218.1); c.2701-2A>G (NM_001382216.1); c.2680-2A>G (NM_001382217.1).
Identifiers: ClinVar variation 3901525 (VCV003901525.1).